The following is an entry in ClinVar:

NM_014946.4(SPAST):c.1750G>C (p.Asp584His)

Gene: SPAST (spastin; plus strand). Cytogenetic location: 2p22.3.
Variant type: single nucleotide variant.
Coding change: c.1750G>C on transcript NM_014946.4 (MANE Select); coding-DNA position 1750, G replaced by C.
Protein change: p.Asp584His; replaces aspartic acid 584 with histidine.
Molecular consequence: missense variant. On other transcripts: 3 prime UTR variant (1).
Genome position (GRCh38, 1-based): chr2:32,154,395, G>C. VCF-style: chr2-32154395-G-C. GRCh37 (hg19) VCF-style: chr2-32379464-G-C.
Other names: c.1747G>C, p.Asp583His (NM_001363823.2); c.1651G>C, p.Asp551His (NM_001363875.2); c.*23G>C (NM_001377959.1); c.1654G>C, p.Asp552His (NM_199436.2); short protein forms D551H, D552H, D583H, D584H.
Identifiers: ClinVar variation 4888026 (VCV004888026.1).

ClinVar aggregate classification (germline): Likely pathogenic (1 of 4 stars; one submission).

Submission:

GeneDx
Classification: Likely pathogenic. Last evaluated: 2026-03-03. Review status: criteria provided, single submitter. Criteria: GeneDx Variant Classification Process June 2021. Collection method: clinical testing. Allele origin: germline.
Comment: Reported in a family with hereditary spastic paraplegia in published literature (PMID: 11015453); Not observed at significant frequency in large population cohorts (gnomAD); In silico analysis supports that this missense variant has a deleterious effect on protein structure/function; This variant is associated with the following publications: (PMID: 21139634, 26094131, 16009769, 26208798, 11015453)